The following is an entry in ClinVar:

NM_153689.6(C2orf69):c.1010G>A (p.Arg337His)

Gene: C2orf69 (chromosome 2 open reading frame 69; plus strand). Cytogenetic location: 2q33.1.
Variant type: single nucleotide variant.
Coding change: c.1010G>A on transcript NM_153689.6 (MANE Select); coding-DNA position 1010, G replaced by A.
Protein change: p.Arg337His; replaces arginine 337 with histidine.
Molecular consequence: missense variant.
Genome position (GRCh38, 1-based): chr2:199,925,738, G>A. VCF-style: chr2-199925738-G-A. GRCh37 (hg19) VCF-style: chr2-200790461-G-A.
Other names: short protein forms R337H.
Identifiers: ClinVar variation 1879515 (VCV001879515.29), dbSNP rs199913055, ClinGen allele CA2046381.

ClinVar aggregate classification (germline): Likely benign (1 of 4 stars; one submission).

Allele frequency attached by ClinVar (database versions not stated): TOPMed 0.00007; gnomAD 0.00019; gnomAD exomes 0.00028; ESP Exome Variant Server 0.00033; 1000 Genomes Project 30x 0.00062; ExAC 0.00063; 1000 Genomes Project 0.00080.

Submission:

CeGaT Center for Human Genetics Tuebingen
Classification: Likely benign. Last evaluated: 2022-11-01. Review status: criteria provided, single submitter. Criteria: CeGaT Center For Human Genetics Tuebingen Variant Classification Criteria Version 2. Collection method: clinical testing. Allele origin: germline. Affected: yes. Observed: 1 variant allele.
Comment: C2orf69: BP4